The following is an entry in ClinVar:

ClinVar aggregate classification (germline): Conflicting classifications of pathogenicity. Review status: criteria provided, conflicting classifications (1 of 4 stars). 2 submissions from 2 submitters: Uncertain significance (1); Likely benign (1). Last evaluated 2023-03-23.

Conditions:
Hereditary cancer-predisposing syndrome. Also called: Neoplastic Syndromes, Hereditary; Tumor predisposition; Hereditary Cancer Syndrome; Hereditary neoplastic syndrome. Identifiers: Orphanet 140162, MedGen C0027672, MeSH D009386, MONDO:0015356.

Submissions (2):

University of Washington Department of Laboratory Medicine, University of Washington
Classification: Likely benign for Hereditary cancer-predisposing syndrome. Last evaluated: 2023-03-23. Review status: criteria provided, single submitter. Criteria: Dines et al. (Genet Med. 2020). Collection method: curation. Allele origin: germline.
Comment: Missense variant in a coldspot region where missense variants are very unlikely to be pathogenic (PMID:31911673).

BRCA2 exon 11 coldspot. Reclassification based on statistical prior probability.

Ambry Genetics
Classification: Uncertain significance for Hereditary cancer-predisposing syndrome. Last evaluated: 2021-02-23. Review status: criteria provided, single submitter. Criteria: Ambry Variant Classification Scheme 2023. Collection method: clinical testing. Allele origin: germline.
Comment: The p.G1184D variant (also known as c.3551G>A), located in coding exon 10 of the BRCA2 gene, results from a G to A substitution at nucleotide position 3551. The glycine at codon 1184 is replaced by aspartic acid, an amino acid with similar properties. This amino acid position is poorly conserved in available vertebrate species. In addition, this alteration is predicted to be tolerated by in silico analysis. Since supporting evidence is limited at this time, the clinical significance of this alteration remains unclear.

NM_000059.4(BRCA2):c.3551G>A (p.Gly1184Asp)

Gene: BRCA2 (BRCA2 DNA repair associated; plus strand). Cytogenetic location: 13q13.1.
Variant type: single nucleotide variant.
Coding change: c.3551G>A on transcript NM_000059.4 (MANE Select); coding-DNA position 3551, G replaced by A.
Protein change: p.Gly1184Asp; replaces glycine 1184 with aspartic acid.
Molecular consequence: missense variant.
Genome position (GRCh38, 1-based): chr13:32,337,906, G>A. VCF-style: chr13-32337906-G-A. GRCh37 (hg19) VCF-style: chr13-32912043-G-A.
Other names: c.3551G>A, p.Gly1184Asp (NM_001406719.1, NM_001406720.1); short protein forms G1184D.
Identifiers: ClinVar variation 1732604 (VCV001732604.4), dbSNP rs431825309, ClinGen allele CA387777227.